The following is an entry in ClinVar:

ClinVar aggregate classification (germline): Uncertain significance (0 of 4 stars; one submission).

Conditions:
Prostate cancer. Also called: Malignant tumor of prostate. Identifiers: Orphanet 1331, MedGen C0376358, MONDO:0008315, HP:0012125.

Submission:

Science for Life laboratory,  Karolinska Institutet
Classification: Uncertain significance for Malignant tumor of prostate. Review status: no assertion criteria provided. Collection method: not provided. Allele origin: somatic.
Comment: TumorID:SWE-16
ClinVar note: Converted during submission from Unknown to Uncertain significance.

NM_017864.4(INTS8):c.166del (p.Glu56fs)

Gene: INTS8 (integrator complex subunit 8; plus strand). Cytogenetic location: 8q22.1.
Variant type: Deletion.
Coding change: c.166del on transcript NM_017864.4 (MANE Select); coding-DNA position 166, one base deleted (G; older notation c.166delG).
Protein change: p.Glu56fs; shifts the reading frame from glutamic acid 56.
Molecular consequence: frameshift variant. On other transcripts: non-coding transcript variant (2).
Genome position (GRCh38, 1-based): chr8:94,824,928, G deleted; the last of 2 consecutive G bases (chr8:94,824,927-94,824,928); deleting either gives the same sequence. VCF-style (leftmost placement, unchanged base first): chr8-94824926-TG-T. GRCh37 (hg19) VCF-style: chr8-95837154-TG-T.
Other names: short protein forms E56fs.
Identifiers: ClinVar variation 161711 (VCV000161711.2), dbSNP rs193920861, ClinGen allele CA174643.
Genomic context (GRCh38, chr8:94,824,926, plus strand): 5'-AAGAATTTATTTTCTTTTAAACCCTAGATCCTGCACCAGTTCAACTTATAGTTCAGTTTT[TG>T]GAACAGGCTTCCAAACCTTCAGTTAATGAACAAAACCAAGTTCAACCTCCGCCTGATAAC-3'